The following is an entry in ClinVar:

ClinVar aggregate classification (germline): Uncertain significance (1 of 4 stars; one submission).

Conditions:
Kabuki syndrome 2 (KABUK2). Also called: KDM6A-Related Kabuki Syndrome. Identifiers: Orphanet 2322, MedGen C3275495, MONDO:0010465, OMIM 300867.

Submission:

Labcorp Genetics (formerly Invitae), Labcorp
Classification: Uncertain significance for Kabuki syndrome 2. Last evaluated: 2022-07-08. Review status: criteria provided, single submitter. Criteria: Invitae Variant Classification Sherloc (09022015). Collection method: clinical testing. Allele origin: germline.
Comment: Algorithms developed to predict the effect of missense changes on protein structure and function (SIFT, PolyPhen-2, Align-GVGD) all suggest that this variant is likely to be tolerated. In summary, the available evidence is currently insufficient to determine the role of this variant in disease. Therefore, it has been classified as a Variant of Uncertain Significance. This variant has not been reported in the literature in individuals affected with KDM6A-related conditions. This variant is not present in population databases (gnomAD no frequency). This sequence change replaces aspartic acid, which is acidic and polar, with asparagine, which is neutral and polar, at codon 916 of the KDM6A protein (p.Asp916Asn).

NM_001291415.2(KDM6A):c.2902G>A (p.Asp968Asn)

Gene: KDM6A (lysine demethylase 6A; plus strand). Cytogenetic location: Xp11.3.
Variant type: single nucleotide variant.
Coding change: c.2902G>A on transcript NM_001291415.2 (MANE Select); coding-DNA position 2902, G replaced by A.
Protein change: p.Asp968Asn; replaces aspartic acid 968 with asparagine.
Molecular consequence: missense variant. On other transcripts: non-coding transcript variant (1).
Genome position (GRCh38, 1-based): chrX:45,076,740, G>A. VCF-style: chrX-45076740-G-A. GRCh37 (hg19) VCF-style: chrX-44935985-G-A.
Other names: c.2767G>A, p.Asp923Asn (NM_001291416.2); c.2611G>A, p.Asp871Asn (NM_001291417.2); c.2509G>A, p.Asp837Asn (NM_001291418.2); c.1858G>A, p.Asp620Asn (NM_001291421.2); c.2644G>A, p.Asp882Asn (NM_001410742.1); c.2746G>A, p.Asp916Asn (NM_021140.4); short protein forms D837N, D620N, D968N, D882N, D923N, D871N, D916N.
Identifiers: ClinVar variation 2043931 (VCV002043931.4), dbSNP rs2148101496, ClinGen allele CA412798927.
Genomic context (GRCh38, chrX:45,076,740, plus strand): 5'-TTTTTTTTTTTTTCCAGGAATCTAGGTAAAAATGGCTTATCTAACAGTAGCATTTTGTTG[G>A]ATAAATGTCCACCTCCAAGACCACCATCTTCACCATACCCTCCCTTGCCAAAGGACAAGT-3'
Protein context (NP_001278344.1, residues 958-978): NGLSNSSILL[Asp968Asn]KCPPPRPPSS